The following is an entry in ClinVar:

ClinVar aggregate classification (germline): Conflicting classifications of pathogenicity. Review status: criteria provided, conflicting classifications (1 of 4 stars). 8 submissions from 8 submitters: Uncertain significance (2); Likely benign (4). 2 of the submissions do not count toward it. Last evaluated 2026-01-26.

Conditions:
DMD-related disorder. Also called: DMD-related condition.
Cardiovascular phenotype. Identifiers: MedGen CN230736.
Cardiomyopathy (CMYO). Also called: Cardiomyopathies. Identifiers: Orphanet 167848, MedGen C0878544, MONDO:0004994, HP:0001638. Inheritance: Various modes of inheritance.
Duchenne muscular dystrophy (DMD). Also called: MUSCULAR DYSTROPHY, PSEUDOHYPERTROPHIC PROGRESSIVE, DUCHENNE TYPE; Duchenne Muscular Dystrophy (DMD). Identifiers: Orphanet 98896, MedGen C0013264, MONDO:0010679, OMIM 310200.
Becker muscular dystrophy (BMD). Also called: MUSCULAR DYSTROPHY, PSEUDOHYPERTROPHIC PROGRESSIVE, BECKER TYPE; Becker Muscular Dystrophy (BMD). Identifiers: Orphanet 98895, MedGen C0917713, MONDO:0010311, OMIM 300376.
Dystrophin deficiency.

Allele frequency attached by ClinVar (database versions not stated): TOPMed 0.00012; ESP Exome Variant Server 0.00019; gnomAD 0.00006 and 0.00007; gnomAD exomes 0.00006; ExAC 0.00007.
gnomAD v4.1: 360 of 1,209,470 alleles (0.03%); highest among the groups gnomAD compares: Non-Finnish European, 0.039%; no homozygotes.

Submissions (8):

Labcorp Genetics (formerly Invitae), Labcorp
Classification: Likely benign for Duchenne muscular dystrophy. Last evaluated: 2026-01-26. Review status: criteria provided, single submitter. Criteria: Invitae Variant Classification Sherloc (09022015). Collection method: clinical testing. Allele origin: germline.

Blueprint Genetics
Classification: Likely benign. Last evaluated: 2024-03-04. Review status: criteria provided, single submitter. Criteria: ACMG Guidelines, 2015. Collection method: clinical testing. Allele origin: germline.

ARUP Laboratories, Molecular Genetics and Genomics, ARUP Laboratories
Classification: Likely benign. Last evaluated: 2023-09-25. Review status: criteria provided, single submitter. Criteria: ARUP Molecular Germline Variant Investigation Process 2024. Collection method: clinical testing. Allele origin: germline.

Ambry Genetics
Classification: Likely benign for Cardiovascular phenotype. Last evaluated: 2020-09-01. Review status: criteria provided, single submitter. Criteria: Ambry Variant Classification Scheme 2023. Collection method: clinical testing. Allele origin: germline.

Revvity Omics, Revvity
Classification: Uncertain significance. Last evaluated: 2019-12-02. Review status: criteria provided, single submitter. Criteria: ACMG Guidelines, 2015. Collection method: clinical testing. Allele origin: germline.

Eurofins Ntd Llc (ga)
Classification: Uncertain significance. Last evaluated: 2016-06-03. Review status: criteria provided, single submitter. Criteria: EGL Classification Definitions 2015. Collection method: clinical testing. Allele origin: germline. Observed: 2 variant alleles, 1 heterozygote, 1 hemizygote.

PreventionGenetics, part of Exact Sciences
Classification: Likely benign for DMD-related condition. Last evaluated: 2019-06-10. Review status: no assertion criteria provided. Collection method: clinical testing. Allele origin: germline. Not counted in ClinVar's aggregate classification.
Comment: This variant is classified as likely benign based on ACMG/AMP sequence variant interpretation guidelines (Richards et al. 2015 PMID: 25741868, with internal and published modifications).

Natera, Inc.
Classification: Likely benign for Becker muscular dystrophy; Cardiomyopathy; Duchenne muscular dystrophy; Dystrophin deficiency. Last evaluated: 2017-11-17. Review status: no assertion criteria provided. Collection method: clinical testing. Allele origin: germline. Not counted in ClinVar's aggregate classification.

NM_004006.3(DMD):c.2988A>G (p.Leu996=)

Gene: DMD (dystrophin; minus strand). Cytogenetic location: Xp21.1.
Variant type: single nucleotide variant.
Coding change: c.2988A>G on transcript NM_004006.3 (MANE Select); coding-DNA position 2988, A replaced by G.
Protein change: p.Leu996=; no amino-acid change (leucine 996 retained).
Molecular consequence: synonymous variant.
Genome position (GRCh38, 1-based): chrX:32,468,672, T>C on the plus strand (A>G on the coding strand, the complement: DMD is on the minus strand). VCF-style: chrX-32468672-T-C. GRCh37 (hg19) VCF-style: chrX-32486789-T-C.
Other names: c.2964A>G, p.Leu988= (NM_000109.4); c.2976A>G, p.Leu992= (NM_004009.3); c.2619A>G, p.Leu873= (NM_004010.3).
Identifiers: ClinVar variation 285127 (VCV000285127.23), dbSNP rs148835707, ClinGen allele CA10379378.